The following is an entry in ClinVar:

NM_006015.6(ARID1A):c.6518A>T (p.Asn2173Ile)

Gene: ARID1A (AT-rich interaction domain 1A; plus strand). Cytogenetic location: 1p36.11.
Variant type: single nucleotide variant.
Coding change: c.6518A>T on transcript NM_006015.6 (MANE Select); coding-DNA position 6518, A replaced by T.
Protein change: p.Asn2173Ile; replaces asparagine 2173 with isoleucine.
Molecular consequence: missense variant.
Genome position (GRCh38, 1-based): chr1:26,780,416, A>T. VCF-style: chr1-26780416-A-T. GRCh37 (hg19) VCF-style: chr1-27106907-A-T.
Other names: c.5867A>T, p.Asn1956Ile (NM_139135.4); short protein forms N1956I, N2173I.
Identifiers: ClinVar variation 917881 (VCV000917881.3), dbSNP rs1553153783, ClinGen allele CA339192778.
Genomic context (GRCh38, chr1:26,780,416, plus strand): 5'-GCTTCCTCAGTGACCGAAAGAACCCGGTGTGCCGGGAGATGGCTGTGGTACTGCTGGCCA[A>T]CCTGGCTCAGGGGGACAGCCTGGCAGCTCGTGCCATTGCAGTGCAGAAGGGCAGTATCGG-3'
Protein context (NP_006006.3, residues 2163-2183): CREMAVVLLA[Asn2173Ile]LAQGDSLAAR

ClinVar aggregate classification (germline): Likely pathogenic (1 of 4 stars; one submission).

Conditions:
Intellectual disability, autosomal dominant 14 (CSS2). Also called: COFFIN-SIRIS SYNDROME 2. Identifiers: Orphanet 1465, MedGen C3553247, MONDO:0013819, OMIM 614607.

Submission:

Institute for Genomic Statistics and Bioinformatics, University Hospital Bonn
Classification: Likely pathogenic for Intellectual disability, autosomal dominant 14. Review status: criteria provided, single submitter. Criteria: ACMG Guidelines, 2015. Collection method: clinical testing. Allele origin: de novo. Inheritance: Autosomal dominant inheritance. Affected: yes. Observed: 1 heterozygote.
Comment: The name of the variant is: c.6518A> T; p.Asn2173Ile). This variant has not yet been recorded in population-related and phenotype-related databases. Another base exchange at the same nucleotide position (c.6518A> G; p. (Asn2173Ser)) is listed in the phenotype-related database ClinVar as a variant of unclear functional relevance. In these databases and in publications, predominantly truncating variants in the ARID1A gene are considered pathogenic. The mutation prediction programs MutationTaster, SIFT and PolyPhen-2 assess the variant as pathogenic; the CADD score is 26.2. It is a moderately conserved amino acid that lies in an Armadillo-type fold. The ACMG classification of the variant is: probably pathogenic (Class 4: PS2, PM2, PP3, BP1 (strong).